The following is an entry in ClinVar:

ClinVar aggregate classification (germline): Pathogenic. Review status: criteria provided, multiple submitters, no conflicts (2 of 4 stars). 2 submissions from 2 submitters: Pathogenic (2). Last evaluated 2026-09-08.

Conditions:
Fabry disease. Also called: Fabry's disease; Angiokeratoma corporis diffusum; ALPHA-GALACTOSIDASE A DEFICIENCY; ANDERSON-FABRY DISEASE; CERAMIDE TRIHEXOSIDASE DEFICIENCY; Ceramide trihexosidosis. Identifiers: Orphanet 324, MedGen C0002986, MONDO:0010526, OMIM 301500, HP:0001071. Disease mechanism: loss of function, Fabry disease is due to inactivating mutations in the X-linked GLA gene resulting in deficiency of the enzyme Alpha Galactosidase-A..

Submissions (2):

Genomenon, Inc
Classification: Pathogenic for Fabry disease. Last evaluated: 2026-09-08. Review status: criteria provided, single submitter. Criteria: Genomenon Sequence Variant Interpretation Standards - Updated. Collection method: curation. Allele origin: germline. Affected: yes.
Comment: GLA c.195-1G>C is a canonical splice variant affecting the acceptor splice site of intron 1. It is predicted to affect mRNA splicing, leading to a deleterious effect on the GLA protein. This variant has been observed in at least one proband with clinical features consistent with Fabry disease (PMID:26297554). Functional or patient cell studies have been reported (PMID:26297554). It is absent or not present at a significant frequency in gnomAD. In conclusion, we classify GLA c.195-1G>C as a pathogenic variant.

Eurofins Ntd Llc (ga)
Classification: Pathogenic. Last evaluated: 2012-11-01. Review status: criteria provided, single submitter. Criteria: EGL Classification Definitions 2015. Collection method: clinical testing. Allele origin: germline. Observed: 1 variant allele, 1 heterozygote.

Literature cited by the submitters: PubMed 26297554 (cited by Genomenon, Inc).

NM_000169.3(GLA):c.195-1G>C

Genes: GLA (galactosidase alpha; minus strand), RPL36A-HNRNPH2 (RPL36A-HNRNPH2 readthrough; plus strand). Cytogenetic location: Xq22.1.
Variant type: single nucleotide variant.
Coding change: c.195-1G>C on transcript NM_000169.3 (MANE Select); the canonical splice acceptor site of the intron before coding-DNA position 195, G replaced by C.
Molecular consequence: splice acceptor variant. On other transcripts: intron variant (2).
Genome position (GRCh38, 1-based): chrX:101,403,986, C>G on the plus strand (G>C on the coding strand, the complement: GLA is on the minus strand). VCF-style: chrX-101403986-C-G. GRCh37 (hg19) VCF-style: chrX-100658974-C-G.
Other names: c.301-7950C>G (NM_001199973.2); c.178-7950C>G (NM_001199974.2); c.318-1G>C (NM_001406747.1, NM_001406749.1); c.195-1G>C (NM_001406748.1).
Identifiers: ClinVar variation 92546 (VCV000092546.7), dbSNP rs398123206, ClinGen allele CA021583.